The following is an entry in ClinVar:

ClinVar aggregate classification (germline): Uncertain significance (1 of 4 stars; one submission).

Conditions:
Hereditary cancer-predisposing syndrome. Also called: Hereditary neoplastic syndrome; Neoplastic Syndromes, Hereditary; Tumor predisposition; Hereditary Cancer Syndrome. Identifiers: Orphanet 140162, MedGen C0027672, MeSH D009386, MONDO:0015356.

Submission:

Ambry Genetics
Classification: Uncertain significance for Hereditary cancer-predisposing syndrome. Last evaluated: 2024-12-17. Review status: criteria provided, single submitter. Criteria: Ambry Variant Classification Scheme 2023. Collection method: clinical testing. Allele origin: germline.
Comment: The p.L1050P variant (also known as c.3149T>C), located in coding exon 19 of the ALK gene, results from a T to C substitution at nucleotide position 3149. The leucine at codon 1050 is replaced by proline, an amino acid with similar properties. This amino acid position is conserved. In addition, this alteration is predicted to be deleterious by in silico analysis. Based on the available evidence, the clinical significance of this variant remains unclear.

NM_004304.5(ALK):c.3149T>C (p.Leu1050Pro)

Gene: ALK (ALK receptor tyrosine kinase; minus strand). Cytogenetic location: 2p23.2.
Variant type: single nucleotide variant.
Coding change: c.3149T>C on transcript NM_004304.5 (MANE Select); coding-DNA position 3149, T replaced by C.
Protein change: p.Leu1050Pro; replaces leucine 1050 with proline.
Molecular consequence: missense variant.
Genome position (GRCh38, 1-based): chr2:29,225,484, A>G on the plus strand (T>C on the coding strand, the complement: ALK is on the minus strand). VCF-style: chr2-29225484-A-G. GRCh37 (hg19) VCF-style: chr2-29448350-A-G.
Other names: short protein forms L1050P.
Identifiers: ClinVar variation 3854955 (VCV003854955.1).